The following is an entry in ClinVar:

NM_018896.5(CACNA1G):c.6200G>A (p.Arg2067Lys)

Gene: CACNA1G (calcium voltage-gated channel subunit alpha1 G; plus strand). Cytogenetic location: 17q21.33.
Variant type: single nucleotide variant.
Coding change: c.6200G>A on transcript NM_018896.5 (MANE Select); coding-DNA position 6200, G replaced by A.
Protein change: p.Arg2067Lys; replaces arginine 2067 with lysine.
Molecular consequence: missense variant. On other transcripts: non-coding transcript variant (5).
Genome position (GRCh38, 1-based): chr17:50,624,046, G>A. VCF-style: chr17-50624046-G-A. GRCh37 (hg19) VCF-style: chr17-48701407-G-A.
Other names: c.6011G>A, p.Arg2004Lys (NM_001256324.2); c.5942G>A, p.Arg1981Lys (NM_001256325.2); c.5930G>A, p.Arg1977Lys (NM_001256326.2); c.5900G>A, p.Arg1967Lys (NM_001256327.2); c.5846G>A, p.Arg1949Lys (NM_001256328.2); c.5819G>A, p.Arg1940Lys (NM_001256329.2, NM_198376.3, NM_198387.3); c.5786G>A, p.Arg1929Lys (NM_001256330.2); c.5765G>A, p.Arg1922Lys (NM_001256331.2); and 15 more; short protein forms R1922K, R1936K, R1967K, R1974K, R2004K, R2056K, R2067K, R1917K.
Identifiers: ClinVar variation 2043687 (VCV002043687.4), dbSNP rs548433941, ClinGen allele CA291642532.

ClinVar aggregate classification (germline): Uncertain significance (1 of 4 stars; one submission).

gnomAD v4.1: 7 of 1,612,766 alleles (0.00043%); highest among the groups gnomAD compares: African/African-American, 0.0053%; no homozygotes.

Submission:

Labcorp Genetics (formerly Invitae), Labcorp
Classification: Uncertain significance. Last evaluated: 2022-08-06. Review status: criteria provided, single submitter. Criteria: Invitae Variant Classification Sherloc (09022015). Collection method: clinical testing. Allele origin: germline.
Comment: This sequence change replaces arginine, which is basic and polar, with lysine, which is basic and polar, at codon 2067 of the CACNA1G protein (p.Arg2067Lys). In summary, the available evidence is currently insufficient to determine the role of this variant in disease. Therefore, it has been classified as a Variant of Uncertain Significance. Advanced modeling of protein sequence and biophysical properties (such as structural, functional, and spatial information, amino acid conservation, physicochemical variation, residue mobility, and thermodynamic stability) performed at Invitae indicates that this missense variant is not expected to disrupt CACNA1G protein function. This variant has not been reported in the literature in individuals affected with CACNA1G-related conditions. This variant is not present in population databases (gnomAD no frequency).